The following is an entry in ClinVar:

NM_018718.3(CEP41):c.176A>G (p.Lys59Arg)

Gene: CEP41 (centrosomal protein 41; minus strand). Cytogenetic location: 7q32.2.
Variant type: single nucleotide variant.
Coding change: c.176A>G on transcript NM_018718.3 (MANE Select); coding-DNA position 176, A replaced by G.
Protein change: p.Lys59Arg; replaces lysine 59 with arginine.
Molecular consequence: missense variant. On other transcripts: non-coding transcript variant (1).
Genome position (GRCh38, 1-based): chr7:130,412,210, T>C on the plus strand (A>G on the coding strand, the complement: CEP41 is on the minus strand). VCF-style: chr7-130412210-T-C. GRCh37 (hg19) VCF-style: chr7-130052051-T-C.
Other names: c.176A>G, p.Lys59Arg (NM_001257158.2); c.128A>G, p.Lys43Arg (NM_001257159.2); short protein forms K43R, K59R.
Identifiers: ClinVar variation 1490017 (VCV001490017.6), dbSNP rs1797203213, ClinGen allele CA369290662.

ClinVar aggregate classification (germline): Uncertain significance (1 of 4 stars; one submission).

Conditions:
Joubert syndrome 15 (JBTS15). Identifiers: Orphanet 475, MedGen C3280897, MONDO:0013763, OMIM 614464.

Allele frequency attached by ClinVar (database versions not stated): gnomAD exomes below 0.00001.
gnomAD v4.1: 4 of 1,553,966 alleles (0.00026%); highest among the groups gnomAD compares: Non-Finnish European, 0.00036%; no homozygotes.

Submission:

Labcorp Genetics (formerly Invitae), Labcorp
Classification: Uncertain significance for Joubert syndrome 15. Last evaluated: 2022-03-02. Review status: criteria provided, single submitter. Criteria: Invitae Variant Classification Sherloc (09022015). Collection method: clinical testing. Allele origin: germline.
Comment: In summary, the available evidence is currently insufficient to determine the role of this variant in disease. Therefore, it has been classified as a Variant of Uncertain Significance. Algorithms developed to predict the effect of missense changes on protein structure and function are either unavailable or do not agree on the potential impact of this missense change (SIFT: "Tolerated"; PolyPhen-2: "Possibly Damaging"; Align-GVGD: "Class C0"). This variant has not been reported in the literature in individuals affected with CEP41-related conditions. This variant is not present in population databases (gnomAD no frequency). This sequence change replaces lysine, which is basic and polar, with arginine, which is basic and polar, at codon 59 of the CEP41 protein (p.Lys59Arg).